The following is an entry in ClinVar:

NM_000257.4(MYH7):c.3512dup (p.Gln1172fs)

Gene: MYH7 (myosin heavy chain 7; minus strand). Cytogenetic location: 14q11.2.
Variant type: Duplication.
Coding change: c.3512dup on transcript NM_000257.4 (MANE Select); coding-DNA position 3512, one base duplicated (T; older notation c.3512dupT).
Protein change: p.Gln1172fs; shifts the reading frame from glutamine 1172.
Molecular consequence: frameshift variant.
Genome position (GRCh38, 1-based): chr14:23,420,059, A duplicated on the plus strand (T on the coding strand, the reverse complement: MYH7 is on the minus strand); the first of 2 consecutive A bases (chr14:23,420,059-23,420,060); duplicating either gives the same sequence. VCF-style (leftmost placement, unchanged base first): chr14-23420058-G-GA. GRCh37 (hg19) VCF-style: chr14-23889267-G-GA.
Other names: short protein forms Q1172fs.
Identifiers: ClinVar variation 1356347 (VCV001356347.6), dbSNP rs1892410177, ClinGen allele CA961071581.

ClinVar aggregate classification (germline): Uncertain significance (1 of 4 stars; one submission).

Conditions:
Hypertrophic cardiomyopathy. Also called: HYPERTROPHIC MYOCARDIOPATHY. Identifiers: Orphanet 217569, MedGen C0007194, MeSH D002312, MONDO:0005045, HP:0001639.

Submission:

Labcorp Genetics (formerly Invitae), Labcorp
Classification: Uncertain significance for Hypertrophic cardiomyopathy. Last evaluated: 2020-12-14. Review status: criteria provided, single submitter. Criteria: Invitae Variant Classification Sherloc (09022015). Collection method: clinical testing. Allele origin: germline.
Comment: This sequence change creates a premature translational stop signal (p.Gln1172Profs*59) in the MYH7 gene. It is expected to result in an absent or disrupted protein product. However, the current clinical and genetic evidence is not sufficient to establish whether loss-of-function variants in MYH7 cause disease. This variant is not present in population databases (ExAC no frequency). This variant has not been reported in the literature in individuals with MYH7-related conditions. In summary, the available evidence is currently insufficient to determine the role of this variant in disease. Therefore, it has been classified as a Variant of Uncertain Significance.